The following is an entry in ClinVar:

ClinVar aggregate classification (germline): Conflicting classifications of pathogenicity. Review status: criteria provided, conflicting classifications (1 of 4 stars). 2 submissions from 2 submitters: Uncertain significance (1); Likely benign (1). Last evaluated 2024-09-09.

Conditions:
Hereditary cancer-predisposing syndrome. Also called: Neoplastic Syndromes, Hereditary; Tumor predisposition; Hereditary Cancer Syndrome; Hereditary neoplastic syndrome. Identifiers: Orphanet 140162, MedGen C0027672, MeSH D009386, MONDO:0015356.

Submissions (2):

GeneDx
Classification: Uncertain significance. Last evaluated: 2024-09-09. Review status: criteria provided, single submitter. Criteria: GeneDx Variant Classification Process June 2021. Collection method: clinical testing. Allele origin: germline. Affected: yes.
Comment: Not observed at significant frequency in large population cohorts (gnomAD); In silico analysis indicates that this variant does not alter splicing; Has not been previously published as pathogenic or benign to our knowledge

Ambry Genetics
Classification: Likely benign for Hereditary cancer-predisposing syndrome. Last evaluated: 2021-03-04. Review status: criteria provided, single submitter. Criteria: Ambry Variant Classification Scheme 2023. Collection method: clinical testing. Allele origin: germline.

NM_000264.5(PTCH1):c.105G>C (p.Arg35=)

Genes: PTCH1 (patched 1; minus strand), LOC130002133 (ATAC-STARR-seq lymphoblastoid silent region 20071; plus strand). Cytogenetic location: 9q22.32.
Variant type: single nucleotide variant.
Coding change: c.105G>C on transcript NM_000264.5 (MANE Select); coding-DNA position 105, G replaced by C.
Protein change: p.Arg35=; no amino-acid change (arginine 35 retained).
Molecular consequence: synonymous variant. On other transcripts: non-coding transcript variant (1), intron variant (3).
Genome position (GRCh38, 1-based): chr9:95,508,257, C>G on the plus strand (G>C on the coding strand, the complement: PTCH1 is on the minus strand). VCF-style: chr9-95508257-C-G. GRCh37 (hg19) VCF-style: chr9-98270539-C-G.
Other names: c.105G>C, p.Arg35= (NM_001354918.2); c.199-1658G>C (NM_001083603.3); c.4-1658G>C (NM_001083602.3, NM_001354919.2).
Identifiers: ClinVar variation 1779949 (VCV001779949.3), dbSNP rs1452780161, ClinGen allele CA466107706.